The following is an entry in ClinVar:

NM_000535.7(PMS2):c.1080A>G (p.Ile360Met)

Gene: PMS2 (PMS1 homolog 2, mismatch repair system component; minus strand). Cytogenetic location: 7p22.1.
Variant type: single nucleotide variant.
Coding change: c.1080A>G on transcript NM_000535.7 (MANE Select); coding-DNA position 1080, A replaced by G.
Protein change: p.Ile360Met; replaces isoleucine 360 with methionine.
Molecular consequence: missense variant. On other transcripts: non-coding transcript variant (1), intron variant (2).
Genome position (GRCh38, 1-based): chr7:5,989,864, T>C on the plus strand (A>G on the coding strand, the complement: PMS2 is on the minus strand). VCF-style: chr7-5989864-T-C. GRCh37 (hg19) VCF-style: chr7-6029495-T-C.
Other names: c.675A>G, p.Ile225Met (NM_001322003.2, NM_001322004.2, NM_001322005.2 and 1 more transcripts); c.762A>G, p.Ile254Met (NM_001322007.2, NM_001322008.2); c.147A>G, p.Ile49Met (NM_001322011.2, NM_001322012.2); c.507A>G, p.Ile169Met (NM_001322013.2); c.1080A>G, p.Ile360Met (NM_001322014.2); c.771A>G, p.Ile257Met (NM_001322015.2); c.583+2109A>G (NM_001322010.2); c.988+2109A>G (NM_001322006.2); short protein forms I360M, I169M, I49M, I225M, I254M, I257M.
Identifiers: ClinVar variation 186188 (VCV000186188.39), dbSNP rs567102013, ClinGen allele CA009178.

ClinVar aggregate classification (germline): Conflicting classifications of pathogenicity. Review status: criteria provided, conflicting classifications (1 of 4 stars). 12 submissions from 12 submitters: Uncertain significance (3); Benign (1); Likely benign (7). 1 of the submissions does not count toward it. Last evaluated 2026-01-31.

Conditions:
PMS2-related disorder. Also called: PMS2-related condition.
Hereditary nonpolyposis colorectal neoplasms. Identifiers: MedGen C0009405, MeSH D003123.
Hereditary cancer-predisposing syndrome. Also called: Neoplastic Syndromes, Hereditary; Tumor predisposition; Hereditary neoplastic syndrome; Hereditary Cancer Syndrome. Identifiers: Orphanet 140162, MedGen C0027672, MeSH D009386, MONDO:0015356.
Lynch syndrome 4 (LYNCH4). Also called: Colorectal cancer, hereditary nonpolyposis, type 4; Hereditary non-polyposis colorectal cancer, type 4. Identifiers: Orphanet 144, MedGen C1838333, MONDO:0013699, OMIM 614337. Disease mechanism: loss of function.

Allele frequency attached by ClinVar (database versions not stated): gnomAD 0.00002; gnomAD exomes 0.00004 and 0.00018; TOPMed 0.00009; ExAC 0.00015.

Submissions (12):

Labcorp Genetics (formerly Invitae), Labcorp
Classification: Likely benign for Hereditary nonpolyposis colorectal neoplasms. Last evaluated: 2026-01-31. Review status: criteria provided, single submitter. Criteria: Invitae Variant Classification Sherloc (09022015). Collection method: clinical testing. Allele origin: germline.

PreventionGenetics, part of Exact Sciences
Classification: Likely benign for PMS2-related condition. Last evaluated: 2025-12-24. Review status: criteria provided, single submitter. Criteria: ACMG Guidelines, 2015. Collection method: clinical testing. Allele origin: germline.
Comment: This variant is classified as likely benign based on ACMG/AMP sequence variant interpretation guidelines (Richards et al. 2015 PMID: 25741868, with internal and published modifications).

Quest Diagnostics Nichols Institute San Juan Capistrano
Classification: Likely benign. Last evaluated: 2025-04-04. Review status: criteria provided, single submitter. Criteria: Quest Diagnostics criteria. Collection method: clinical testing. Allele origin: unknown.

ARUP Laboratories, Molecular Genetics and Genomics, ARUP Laboratories
Classification: Likely benign. Last evaluated: 2025-03-17. Review status: criteria provided, single submitter. Criteria: ARUP Molecular Germline Variant Investigation Process 2024. Collection method: clinical testing. Allele origin: germline.

Color Diagnostics, LLC DBA Color Health
Classification: Benign for Hereditary cancer-predisposing syndrome. Last evaluated: 2024-10-17. Review status: criteria provided, single submitter. Criteria: ACMG Guidelines, 2015. Collection method: clinical testing. Allele origin: germline.

Myriad Genetics, Inc.
Classification: Uncertain significance for Lynch syndrome 4. Last evaluated: 2023-04-04. Review status: criteria provided, single submitter. Criteria: Myriad Autosomal Dominant, Autosomal Recessive and X-Linked Classification Criteria (2023). Collection method: clinical testing. Allele origin: unknown.
Comment: This variant is classified as a variant of uncertain significance as there is insufficient evidence to determine its impact on protein function and/or cancer risk.

Ambry Genetics
Classification: Likely benign for Hereditary cancer-predisposing syndrome. Last evaluated: 2022-03-31. Review status: criteria provided, single submitter. Criteria: Ambry Variant Classification Scheme 2023. Collection method: clinical testing. Allele origin: germline.

Sema4
Classification: Uncertain significance for Hereditary cancer-predisposing syndrome. Last evaluated: 2022-03-18. Review status: criteria provided, single submitter. Criteria: Sema4 Curation Guidelines. Collection method: curation. Allele origin: germline.
Comment: The PMS2 c.1080A>G (p.I360M) variant has been reported in at least 3 individuals with colorectal adenocarcinoma, breast cancer and endometrial cancer (PMID: 33359728, 25186627, 27443514). It was observed in 43/35338 chromosomes of the Latino subpopulation without homozygotes in the large and broad cohorts of the Genome Aggregation Database (PMID: 32461654). The variant has been reported in ClinVar (Variation ID 186188). Functional studies have not been performed, and in silico predictions of the variant's effect on protein function are inconclusive. The evidence is insufficient to meet ACMG/AMP criteria for classifying the variant as benign or pathogenic. Thus, the clinical significance of this variant is currently uncertain.

GeneDx
Classification: Likely benign. Last evaluated: 2021-03-01. Review status: criteria provided, single submitter. Criteria: GeneDx Variant Classification Process June 2021. Collection method: clinical testing. Allele origin: germline. Affected: yes.
Comment: This variant is associated with the following publications: (PMID: 22949387, 27443514, 25186627)

Women's Health and Genetics/Laboratory Corporation of America, LabCorp
Classification: Likely benign. Last evaluated: 2018-02-07. Review status: criteria provided, single submitter. Criteria: LabCorp Variant Classification Summary - May 2015. Collection method: clinical testing. Allele origin: germline.
Comment: Variant summary: PMS2 c.1080A>G (p.Ile360Met) results in a conservative amino acid change located in the DNA mismatch repair protein, C-terminal of the encoded protein sequence. Four of five in-silico tools predict a benign effect of the variant on protein function. The observed variant frequency within Latino control individuals (41/34364) in the gnomAD database is approximately 10.56 fold of the estimated maximal expected allele frequency for a pathogenic variant in PMS2 causing Lynch Syndrome phenotype (0.00011), strongly suggesting that the variant is a benign polymorphism found primarily in populations of Latino origin. While PMS2 is known to have highly homologous pseudogenes which may interfere with the technology used in large population datasets like gnomAD, a BLAT search of the surrounding region showed no similar regions of the genome, allowing the population data to be utilized as strong evidence for the benign nature of this variant. c.1080A>G has been reported in the literature in an individual affected with endometrial carcinoma, without strong evidence for causality (Ring_2016). To our knowledge, no experimental evidence demonstrating an impact on protein function has been reported. Five clinical diagnostic laboratories have submitted clinical-significance assessments for this variant to ClinVar after 2014 without evidence for independent evaluation. Four labs classify the variant as a VUS while one has classified it as likely benign. Based on the evidence outlined above, the variant was classified as likely benign.

Laboratory for Molecular Medicine, Mass General Brigham Personalized Medicine
Classification: Uncertain significance. Last evaluated: 2016-10-13. Review status: criteria provided, single submitter. Criteria: LMM Criteria. Collection method: clinical testing. Allele origin: germline.
Comment: Variant identified in a genome or exome case(s) and assessed due to predicted null impact of the variant or pathogenic assertions in the literature or databases. Disclaimer: This variant has not undergone full assessment. The following are preliminary notes: Variant has not been seen in affected patients. MaxMAF is 0.14% (too high for disorder). AA is not conserved - Met seen in 2 mammals and many non-mammals.

Counsyl
Classification: Uncertain significance for Lynch syndrome 4. Last evaluated: 2016-08-04. Review status: no assertion criteria provided. Collection method: clinical testing. Allele origin: unknown. Not counted in ClinVar's aggregate classification.

Literature cited by the submitters: PubMed 27443514 (cited by 4 submitters); PubMed 25186627 (cited by 3 submitters); PubMed 33359728 (cited by Quest Diagnostics Nichols Institute San Juan Capistrano and Sema4).